The following is an entry in ClinVar:

ClinVar aggregate classification (germline): Uncertain significance. Review status: criteria provided, multiple submitters, no conflicts (2 of 4 stars). 3 submissions from 3 submitters: Uncertain significance (2). 1 of the submissions does not count toward it. Last evaluated 2024-12-16.

Conditions:
Inborn genetic diseases. Identifiers: MedGen C0950123, MeSH D030342.
DNM2-related disorder. Also called: DNM2-related condition.

gnomAD v4.1: 11 of 1,614,102 alleles (0.00068%); highest among the groups gnomAD compares: Admixed American, 0.0017%; no homozygotes.

Submissions (3):

Ambry Genetics
Classification: Uncertain significance for Inborn genetic diseases. Last evaluated: 2024-12-16. Review status: criteria provided, single submitter. Criteria: Ambry Variant Classification Scheme 2023. Collection method: clinical testing. Allele origin: germline.

GeneDx
Classification: Uncertain significance. Last evaluated: 2024-10-11. Review status: criteria provided, single submitter. Criteria: GeneDx Variant Classification Process June 2021. Collection method: clinical testing. Allele origin: germline. Affected: yes.
Comment: Not observed at significant frequency in large population cohorts (gnomAD); In silico analysis supports that this missense variant has a deleterious effect on protein structure/function; Has not been previously published as pathogenic or benign to our knowledge

PreventionGenetics, part of Exact Sciences
Classification: Uncertain significance for DNM2-related condition. Last evaluated: 2024-06-25. Review status: no assertion criteria provided. Collection method: clinical testing. Allele origin: germline. Not counted in ClinVar's aggregate classification.
Comment: The DNM2 c.1399C>T variant is predicted to result in the amino acid substitution p.Arg467Trp. To our knowledge, this variant has not been reported in the literature. This variant is reported in 0.0028% of alleles in individuals of Latino descent in gnomAD. At this time, the clinical significance of this variant is uncertain due to the absence of conclusive functional and genetic evidence.

NM_001005361.3(DNM2):c.1399C>T (p.Arg467Trp)

Gene: DNM2 (dynamin 2; plus strand). Cytogenetic location: 19p13.2.
Variant type: single nucleotide variant.
Coding change: c.1399C>T on transcript NM_001005361.3 (MANE Select); coding-DNA position 1399, C replaced by T.
Protein change: p.Arg467Trp; replaces arginine 467 with tryptophan.
Molecular consequence: missense variant.
Genome position (GRCh38, 1-based): chr19:10,798,549, C>T. VCF-style: chr19-10798549-C-T. GRCh37 (hg19) VCF-style: chr19-10909225-C-T.
Other names: c.1399C>T, p.Arg467Trp (NM_001005360.3, NM_001005362.3, NM_001190716.2 and 1 more transcripts); short protein forms R467W.
Identifiers: ClinVar variation 3358363 (VCV003358363.2).